The following is an entry in ClinVar:

ClinVar aggregate classification (germline): Benign. Review status: criteria provided, multiple submitters, no conflicts (2 of 4 stars). 2 submissions from 2 submitters: Benign (2). Last evaluated 2017-04-27.

Conditions:
Intellectual developmental disorder, X-linked 93. Also called: MENTAL RETARDATION, X-LINKED, WITH MACROCEPHALY; Intellectual disability, X-linked 93. Identifiers: MedGen C1970841, MONDO:0010393, OMIM 300659.

Allele frequency attached by ClinVar (database versions not stated): gnomAD 0.05213 and 0.05998; TOPMed 0.07304; 1000 Genomes Project 30x 0.14485; 1000 Genomes Project 0.15073.

Submissions (2):

Illumina Laboratory Services, Illumina
Classification: Benign for Intellectual developmental disorder, X-linked 93. Last evaluated: 2017-04-27. Review status: criteria provided, single submitter. Criteria: ICSL Variant Classification Criteria 13 December 2019. Collection method: clinical testing. Allele origin: germline.
Comment: This variant was observed as part of a predisposition screen in an ostensibly healthy population. A literature search was performed for the gene, cDNA change, and amino acid change (where applicable). No publications were found based on this search. Allele frequency data from public databases was too high to be consistent with this variant causing disease. Therefore, this variant is classified as benign.

Breakthrough Genomics
Classification: Benign. Review status: criteria provided, single submitter. Criteria: ACMG Guidelines, 2015. Collection method: not provided. Allele origin: germline. Inheritance: X-linked inheritance. Affected: yes.

NM_153252.5(BRWD3):c.*2831C>T

Gene: BRWD3 (bromodomain and WD repeat domain containing 3; minus strand). Cytogenetic location: Xq21.1.
Variant type: single nucleotide variant.
Coding change: c.*2831C>T on transcript NM_153252.5 (MANE Select); 2831 bases downstream of the stop codon, C replaced by T.
Molecular consequence: 3 prime UTR variant.
Genome position (GRCh38, 1-based): chrX:80,673,778, G>A on the plus strand (C>T on the coding strand, the complement: BRWD3 is on the minus strand). VCF-style: chrX-80673778-G-A. GRCh37 (hg19) VCF-style: chrX-79929277-G-A.
Identifiers: ClinVar variation 368705 (VCV000368705.6), dbSNP rs3810676, ClinGen allele CA10652067.